The following is an entry in ClinVar:

NM_002907.4(RECQL):c.810C>G (p.Cys270Trp)

Gene: RECQL (RecQ like helicase; minus strand). Cytogenetic location: 12p12.1.
Variant type: single nucleotide variant.
Coding change: c.810C>G on transcript NM_002907.4 (MANE Select); coding-DNA position 810, C replaced by G.
Protein change: p.Cys270Trp; replaces cysteine 270 with tryptophan.
Molecular consequence: missense variant.
Genome position (GRCh38, 1-based): chr12:21,477,860, G>C on the plus strand (C>G on the coding strand, the complement: RECQL is on the minus strand). VCF-style: chr12-21477860-G-C. GRCh37 (hg19) VCF-style: chr12-21630794-G-C.
Other names: c.810C>G, p.Cys270Trp (NM_032941.3); short protein forms C270W.
Identifiers: ClinVar variation 1762028 (VCV001762028.2), dbSNP rs1943115313, ClinGen allele CA384124379.

ClinVar aggregate classification (germline): Uncertain significance (1 of 4 stars; one submission).

Allele frequency attached by ClinVar (database versions not stated): gnomAD 0.00001.
gnomAD v4.1: 1 of 1,613,516 alleles (0.000062%); highest among the groups gnomAD compares: Admixed American, 0.0017%; no homozygotes.

Submission:

Ambry Genetics
Classification: Uncertain significance. Last evaluated: 2022-02-26. Review status: criteria provided, single submitter. Criteria: Ambry Variant Classification Scheme 2023. Collection method: clinical testing. Allele origin: germline.
Comment: The p.C270W variant (also known as c.810C>G), located in coding exon 6 of the RECQL gene, results from a C to G substitution at nucleotide position 810. The cysteine at codon 270 is replaced by tryptophan, an amino acid with highly dissimilar properties. This amino acid position is conserved. In addition, this alteration is predicted to be tolerated by in silico analysis. Since supporting evidence is limited at this time, the clinical significance of this alteration remains unclear.